The following is an entry in ClinVar:

ClinVar aggregate classification (germline): Uncertain significance. Review status: criteria provided, multiple submitters, no conflicts (2 of 4 stars). 4 submissions from 4 submitters: Uncertain significance (4). Last evaluated 2025-10-24.

Conditions:
Hereditary cancer-predisposing syndrome. Also called: Tumor predisposition; Hereditary Cancer Syndrome; Neoplastic Syndromes, Hereditary; Hereditary neoplastic syndrome. Identifiers: Orphanet 140162, MedGen C0027672, MeSH D009386, MONDO:0015356.
Familial adenomatous polyposis 2. Also called: COLORECTAL ADENOMATOUS POLYPOSIS, AUTOSOMAL RECESSIVE; ADENOMAS, MULTIPLE COLORECTAL, AUTOSOMAL RECESSIVE; MYH-associated polyposis; FAP type 2; MUTYH-associated polyposis; MUTYH-related attenuated familial adenomatous polyposis. Identifiers: Orphanet 220460, Orphanet 247798, MedGen C3272841, MONDO:0012041, OMIM 608456.

Allele frequency attached by ClinVar (database versions not stated): ESP Exome Variant Server 0.00008; TOPMed below 0.00001; ExAC 0.00001; gnomAD 0.00001.
gnomAD v4.1: 1 of 1,614,032 alleles (0.000062%); highest among the groups gnomAD compares: Non-Finnish European, 0.000085%; no homozygotes.

Submissions (4):

Women's Health and Genetics/Laboratory Corporation of America, LabCorp
Classification: Uncertain significance. Last evaluated: 2025-10-24. Review status: criteria provided, single submitter. Criteria: LabCorp Variant Classification Summary - May 2015. Collection method: clinical testing. Allele origin: germline.

Ambry Genetics
Classification: Uncertain significance for Hereditary cancer-predisposing syndrome. Last evaluated: 2024-11-02. Review status: criteria provided, single submitter. Criteria: Ambry Variant Classification Scheme 2023. Collection method: clinical testing. Allele origin: germline.
Comment: The p.E284Q variant (also known as c.850G>C), located in coding exon 10 of the MUTYH gene, results from a G to C substitution at nucleotide position 850. The glutamic acid at codon 284 is replaced by glutamine, an amino acid with highly similar properties. This amino acid position is conserved. In addition, this alteration is predicted to be deleterious by in silico analysis. Since supporting evidence is limited at this time, the clinical significance of this alteration remains unclear.

Baylor Genetics
Classification: Uncertain significance for Familial adenomatous polyposis 2. Last evaluated: 2024-03-08. Review status: criteria provided, single submitter. Criteria: ACMG Guidelines, 2015. Collection method: clinical testing. Allele origin: unknown.

Labcorp Genetics (formerly Invitae), Labcorp
Classification: Uncertain significance for Familial adenomatous polyposis 2. Last evaluated: 2023-06-10. Review status: criteria provided, single submitter. Criteria: Invitae Variant Classification Sherloc (09022015). Collection method: clinical testing. Allele origin: germline.
Comment: In summary, the available evidence is currently insufficient to determine the role of this variant in disease. Therefore, it has been classified as a Variant of Uncertain Significance. An algorithm developed to predict the effect of missense changes on protein structure and function (PolyPhen-2) suggests that this variant is likely to be disruptive. ClinVar contains an entry for this variant (Variation ID: 954046). This variant has not been reported in the literature in individuals affected with MUTYH-related conditions. This variant is not present in population databases (gnomAD no frequency). This sequence change replaces glutamic acid, which is acidic and polar, with glutamine, which is neutral and polar, at codon 284 of the MUTYH protein (p.Glu284Gln).

NM_001048174.2(MUTYH):c.766G>C (p.Glu256Gln)

Gene: MUTYH (mutY DNA glycosylase; minus strand). Cytogenetic location: 1p34.1.
Variant type: single nucleotide variant.
Coding change: c.766G>C on transcript NM_001048174.2 (MANE Select); coding-DNA position 766, G replaced by C.
Protein change: p.Glu256Gln; replaces glutamic acid 256 with glutamine.
Molecular consequence: missense variant. On other transcripts: non-coding transcript variant (2).
Genome position (GRCh38, 1-based): chr1:45,332,249, C>G on the plus strand (G>C on the coding strand, the complement: MUTYH is on the minus strand). VCF-style: chr1-45332249-C-G. GRCh37 (hg19) VCF-style: chr1-45797921-C-G.
Other names: c.766G>C, p.Glu256Gln (NM_001048171.2, NM_001048173.2, NM_001293195.2); c.769G>C, p.Glu257Gln (NM_001048172.2); c.850G>C, p.Glu284Gln (NM_001128425.2); c.811G>C, p.Glu271Gln (NM_001293190.2); c.799G>C, p.Glu267Gln (NM_001293191.2); c.490G>C, p.Glu164Gln (NM_001293192.2, NM_001293196.2); c.421G>C, p.Glu141Gln (NM_001350650.2, NM_001350651.2); c.841G>C, p.Glu281Gln (NM_012222.3); short protein forms E256Q, E284Q, E267Q, E141Q, E164Q, E281Q, E257Q, E271Q.
Identifiers: ClinVar variation 954046 (VCV000954046.15), dbSNP rs141280536, ClinGen allele CA059334.